The following is an entry in ClinVar:

ClinVar aggregate classification (germline): Uncertain significance (1 of 4 stars; one submission).

Submission:

Dasa
Classification: Uncertain significance. Last evaluated: 2025-11-01. Review status: criteria provided, single submitter. Criteria: DASA Assertion Criteria. Collection method: clinical testing. Allele origin: germline.
Comment: NM_002470.4(MYH3):c.5119C>T (p.Leu1707Phe) is a missense variant that results in the substitution of leucine with phenylalanine. This variant is absent from population databases. Computational prediction algorithms are consistent with a deleterious effect. The currently available literature and clinical evidence are not sufficient to establish a definitive association between this variant and the reported condition. Therefore, this variant is classified as a variant of uncertain significance.

NM_002470.4(MYH3):c.5119C>T (p.Leu1707Phe)

Gene: MYH3 (myosin heavy chain 3; minus strand). Cytogenetic location: 17p13.1.
Variant type: single nucleotide variant.
Coding change: c.5119C>T on transcript NM_002470.4 (MANE Select); coding-DNA position 5119, C replaced by T.
Protein change: p.Leu1707Phe; replaces leucine 1707 with phenylalanine.
Molecular consequence: missense variant.
Genome position (GRCh38, 1-based): chr17:10,631,854, G>A on the plus strand (C>T on the coding strand, the complement: MYH3 is on the minus strand). VCF-style: chr17-10631854-G-A. GRCh37 (hg19) VCF-style: chr17-10535171-G-A.
Other names: short protein forms L1707F.
Identifiers: ClinVar variation 5020812 (VCV005020812.1).